The following is an entry in ClinVar:

ClinVar aggregate classification (germline): Uncertain significance (1 of 4 stars; one submission).

gnomAD v4.1: 2 of 1,614,232 alleles (0.00012%); highest among the groups gnomAD compares: African/African-American, 0.0013%; no homozygotes.

Submission:

GeneDx
Classification: Uncertain significance. Last evaluated: 2025-03-12. Review status: criteria provided, single submitter. Criteria: GeneDx Variant Classification Process June 2021. Collection method: clinical testing. Allele origin: germline. Affected: yes.
Comment: Not observed at significant frequency in large population cohorts (gnomAD); In silico analysis indicates that this missense variant does not alter protein structure/function; Has not been previously published as pathogenic or benign to our knowledge

NM_015001.3(SPEN):c.6955A>G (p.Lys2319Glu)

Gene: SPEN (spen family transcriptional repressor; plus strand). Cytogenetic location: 1p36.13.
Variant type: single nucleotide variant.
Coding change: c.6955A>G on transcript NM_015001.3 (MANE Select); coding-DNA position 6955, A replaced by G.
Protein change: p.Lys2319Glu; replaces lysine 2319 with glutamic acid.
Molecular consequence: missense variant.
Genome position (GRCh38, 1-based): chr1:15,933,195, A>G. VCF-style: chr1-15933195-A-G. GRCh37 (hg19) VCF-style: chr1-16259690-A-G.
Other names: short protein forms K2319E.
Identifiers: ClinVar variation 4083316 (VCV004083316.1).